The following is an entry in ClinVar:

ClinVar aggregate classification (germline): Pathogenic. Review status: criteria provided, single submitter (1 of 4 stars). 3 submissions from 3 submitters: Pathogenic (1). 2 of the submissions do not count toward it. Last evaluated 2025-06-24.

Conditions:
Pierson syndrome. Also called: MICROCORIA-CONGENITAL NEPHROTIC SYNDROME. Identifiers: Orphanet 2670, MedGen C1836876, MONDO:0012184, OMIM 609049.
LAMB2-related infantile-onset nephrotic syndrome. Also called: NEPHROTIC SYNDROME, TYPE 5, WITHOUT OCULAR ABNORMALITIES; NEPHROTIC SYNDROME, TYPE 5, WITH OCULAR ABNORMALITIES; Nephrotic Syndrome, type 5. Identifiers: Orphanet 306507, MedGen C3280113, MONDO:0013621, OMIM 614199.

Allele frequency attached by ClinVar (database versions not stated): gnomAD exomes below 0.00001.
gnomAD v4.1: 1 of 1,614,190 alleles (0.000062%); highest among the groups gnomAD compares: Non-Finnish European, 0.000085%; no homozygotes.

Submissions (3):

Labcorp Genetics (formerly Invitae), Labcorp
Classification: Pathogenic for LAMB2-related infantile-onset nephrotic syndrome; Pierson syndrome. Last evaluated: 2025-06-24. Review status: criteria provided, single submitter. Criteria: Invitae Variant Classification Sherloc (09022015). Collection method: clinical testing. Allele origin: germline.
Comment: This sequence change creates a premature translational stop signal (p.Tyr689*) in the LAMB2 gene. It is expected to result in an absent or disrupted protein product. Loss-of-function variants in LAMB2 are known to be pathogenic (PMID: 15367484). This variant is not present in population databases (gnomAD no frequency). This premature translational stop signal has been observed in individual(s) with congenital nephrotic syndrome (PMID: 16097004). ClinVar contains an entry for this variant (Variation ID: 14532). Algorithms developed to predict the effect of sequence changes on RNA splicing suggest that this variant may disrupt the consensus splice site. For these reasons, this variant has been classified as Pathogenic.

Bioscientia Institut fuer Medizinische Diagnostik GmbH, Sonic Healthcare
Classification: Pathogenic for LAMB2-related infantile-onset nephrotic syndrome. Last evaluated: 2018-09-03. Review status: no assertion criteria provided. Collection method: clinical testing. Allele origin: germline. Affected: yes. Not counted in ClinVar's aggregate classification.

OMIM
Classification: Pathogenic for PIERSON SYNDROME. Last evaluated: 2005-09-15. Review status: no assertion criteria provided. Collection method: literature only. Allele origin: germline. Not counted in ClinVar's aggregate classification.

Literature cited by the submitters: PubMed 15367484 (cited by Labcorp Genetics (formerly Invitae), Labcorp); PubMed 16097004 (cited by Labcorp Genetics (formerly Invitae), Labcorp and OMIM); PubMed 14136829 (cited by OMIM).

NM_002292.4(LAMB2):c.2067C>G (p.Tyr689Ter)

Gene: LAMB2 (laminin subunit beta 2; minus strand). Cytogenetic location: 3p21.31.
Variant type: single nucleotide variant.
Coding change: c.2067C>G on transcript NM_002292.4 (MANE Select); coding-DNA position 2067, C replaced by G.
Protein change: p.Tyr689Ter; replaces tyrosine 689 with a stop codon.
Molecular consequence: nonsense.
Genome position (GRCh38, 1-based): chr3:49,126,449, G>C on the plus strand (C>G on the coding strand, the complement: LAMB2 is on the minus strand). VCF-style: chr3-49126449-G-C. GRCh37 (hg19) VCF-style: chr3-49163882-G-C.
Other names: short protein forms Y689*.
Identifiers: ClinVar variation 14532 (VCV000014532.6), dbSNP rs121912489, ClinGen allele CA124108.